The following is an entry in ClinVar:

ClinVar aggregate classification (germline): Benign/Likely benign. Review status: criteria provided, multiple submitters, no conflicts (2 of 4 stars). 6 submissions from 6 submitters: Benign (2); Likely benign (4). Last evaluated 2026-07-10.

Conditions:
SMARCA4-related disorder. Also called: SMARCA4-related condition.
Hereditary cancer-predisposing syndrome. Also called: Hereditary Cancer Syndrome; Tumor predisposition; Hereditary neoplastic syndrome; Neoplastic Syndromes, Hereditary. Identifiers: Orphanet 140162, MedGen C0027672, MeSH D009386, MONDO:0015356.
Rhabdoid tumor predisposition syndrome 2 (RTPS2). Identifiers: Orphanet 231108, Orphanet 69077, MedGen C2750074, MONDO:0013224, OMIM 613325.

Allele frequency attached by ClinVar (database versions not stated): gnomAD exomes 0.00001 and 0.00002; TOPMed 0.00001; gnomAD 0.00001 and 0.00003; ExAC 0.00002.
gnomAD v4.1: 29 of 1,614,050 alleles (0.0018%); highest among the groups gnomAD compares: Non-Finnish European, 0.0019%; no homozygotes.

Submissions (6):

Myriad Genetics, Inc.
Classification: Benign for Rhabdoid tumor predisposition syndrome 2. Last evaluated: 2026-07-10. Review status: criteria provided, single submitter. Criteria: Myriad Autosomal Dominant, Autosomal Recessive and X-Linked Classification Criteria (2023). Collection method: clinical testing. Allele origin: unknown.
Comment: This variant is considered benign. This variant is intronic and is not expected to impact mRNA splicing. This variant has been observed at a population frequency that is significantly greater than expected given the associated disease prevalence and penetrance.

PreventionGenetics, part of Exact Sciences
Classification: Likely benign for SMARCA4-related condition. Last evaluated: 2026-04-07. Review status: criteria provided, single submitter. Criteria: ACMG Guidelines, 2015. Collection method: clinical testing. Allele origin: germline.
Comment: This variant is classified as likely benign based on ACMG/AMP sequence variant interpretation guidelines (Richards et al. 2015 PMID: 25741868, with internal and published modifications).

Labcorp Genetics (formerly Invitae), Labcorp
Classification: Likely benign for Rhabdoid tumor predisposition syndrome 2. Last evaluated: 2026-01-28. Review status: criteria provided, single submitter. Criteria: Invitae Variant Classification Sherloc (09022015). Collection method: clinical testing. Allele origin: germline.

Quest Diagnostics Nichols Institute San Juan Capistrano
Classification: Likely benign. Last evaluated: 2025-06-25. Review status: criteria provided, single submitter. Criteria: Quest Diagnostics criteria. Collection method: clinical testing. Allele origin: unknown.

Blueprint Genetics
Classification: Likely benign. Last evaluated: 2023-09-19. Review status: criteria provided, single submitter. Criteria: ACMG Guidelines, 2015. Collection method: clinical testing. Allele origin: germline.

Sema4
Classification: Benign for Hereditary cancer-predisposing syndrome. Last evaluated: 2021-01-26. Review status: criteria provided, single submitter. Criteria: Sema4 Curation Guidelines. Collection method: curation. Allele origin: germline.

NM_003072.5(SMARCA4):c.1594-8T>C

Gene: SMARCA4 (SWI/SNF related BAF chromatin remodeling complex subunit ATPase 4; plus strand). Cytogenetic location: 19p13.2.
Variant type: single nucleotide variant.
Coding change: c.1594-8T>C on transcript NM_003072.5 (MANE Select); 8 bases into the intron before coding-DNA position 1594, T replaced by C.
Molecular consequence: intron variant.
Genome position (GRCh38, 1-based): chr19:10,996,205, T>C. VCF-style: chr19-10996205-T-C. GRCh37 (hg19) VCF-style: chr19-11106881-T-C.
Other names: c.1594-8T>C (NM_001128844.3, NM_001128849.3, NM_001128847.4 and 5 more transcripts).
Identifiers: ClinVar variation 238380 (VCV000238380.18), dbSNP rs753174460, ClinGen allele CA9203845.